The following is an entry in ClinVar:

NM_183235.3(RAB27A):c.307A>C (p.Asn103His)

Gene: RAB27A (RAB27A, member RAS oncogene family; minus strand). Cytogenetic location: 15q21.3.
Variant type: single nucleotide variant.
Coding change: c.307A>C on transcript NM_183235.3 (MANE Select); coding-DNA position 307, A replaced by C.
Protein change: p.Asn103His; replaces asparagine 103 with histidine.
Molecular consequence: missense variant.
Genome position (GRCh38, 1-based): chr15:55,228,645, T>G on the plus strand (A>C on the coding strand, the complement: RAB27A is on the minus strand). VCF-style: chr15-55228645-T-G. GRCh37 (hg19) VCF-style: chr15-55520843-T-G.
Other names: c.307A>C, p.Asn103His (NM_004580.5, NM_183234.3, NM_183236.3); short protein forms N103H.
Identifiers: ClinVar variation 1373296 (VCV001373296.6), dbSNP rs144492641, ClinGen allele CA392530410.

ClinVar aggregate classification (germline): Uncertain significance (1 of 4 stars; one submission).

Conditions:
Griscelli syndrome type 2 (GS2). Also called: GRISCELLI SYNDROME WITH HEMOPHAGOCYTIC SYNDROME; PAID SYNDROME; PARTIAL ALBINISM AND IMMUNODEFICIENCY SYNDROME. Identifiers: Orphanet 381, Orphanet 79477, MedGen C1868679, MONDO:0011872, OMIM 607624.

gnomAD v4.1: 3 of 1,613,094 alleles (0.00019%); highest among the groups gnomAD compares: African/African-American, 0.0027%; no homozygotes.

Submission:

Labcorp Genetics (formerly Invitae), Labcorp
Classification: Uncertain significance for Griscelli syndrome type 2. Last evaluated: 2021-12-16. Review status: criteria provided, single submitter. Criteria: Invitae Variant Classification Sherloc (09022015). Collection method: clinical testing. Allele origin: germline.
Comment: This sequence change replaces asparagine, which is neutral and polar, with histidine, which is basic and polar, at codon 103 of the RAB27A protein (p.Asn103His). This variant is not present in population databases (gnomAD no frequency). This variant has not been reported in the literature in individuals affected with RAB27A-related conditions. Advanced modeling of protein sequence and biophysical properties (such as structural, functional, and spatial information, amino acid conservation, physicochemical variation, residue mobility, and thermodynamic stability) performed at Invitae indicates that this missense variant is not expected to disrupt RAB27A protein function. In summary, the available evidence is currently insufficient to determine the role of this variant in disease. Therefore, it has been classified as a Variant of Uncertain Significance.